The following is an entry in ClinVar:

NM_199420.4(POLQ):c.6992A>G (p.Tyr2331Cys)

Gene: POLQ (DNA polymerase theta; minus strand). Cytogenetic location: 3q13.33.
Variant type: single nucleotide variant.
Coding change: c.6992A>G on transcript NM_199420.4 (MANE Select); coding-DNA position 6992, A replaced by G.
Protein change: p.Tyr2331Cys; replaces tyrosine 2331 with cysteine.
Molecular consequence: missense variant.
Genome position (GRCh38, 1-based): chr3:121,460,210, T>C on the plus strand (A>G on the coding strand, the complement: POLQ is on the minus strand). VCF-style: chr3-121460210-T-C. GRCh37 (hg19) VCF-style: chr3-121179057-T-C.
Other names: short protein forms Y2331C.
Identifiers: ClinVar variation 1756484 (VCV001756484.2), dbSNP rs1268321195, ClinGen allele CA354107818.

ClinVar aggregate classification (germline): Uncertain significance (1 of 4 stars; one submission).

Allele frequency attached by ClinVar (database versions not stated): gnomAD exomes below 0.00001.
gnomAD v4.1: 2 of 1,613,316 alleles (0.00012%); highest among the groups gnomAD compares: Admixed American, 0.0017%; no homozygotes.

Submission:

Ambry Genetics
Classification: Uncertain significance. Last evaluated: 2021-06-30. Review status: criteria provided, single submitter. Criteria: Ambry Variant Classification Scheme 2023. Collection method: clinical testing. Allele origin: germline.
Comment: The p.Y2331C variant (also known as c.6992A>G), located in coding exon 25 of the POLQ gene, results from an A to G substitution at nucleotide position 6992. The tyrosine at codon 2331 is replaced by cysteine, an amino acid with highly dissimilar properties. This amino acid position is conserved. In addition, this alteration is predicted to be deleterious by in silico analysis. Since supporting evidence is limited at this time, the clinical significance of this alteration remains unclear.